The following is an entry in ClinVar:

ClinVar aggregate classification (germline): Uncertain significance (1 of 4 stars; one submission).

Submission:

Labcorp Genetics (formerly Invitae), Labcorp
Classification: Uncertain significance. Last evaluated: 2022-10-17. Review status: criteria provided, single submitter. Criteria: Invitae Variant Classification Sherloc (09022015). Collection method: clinical testing. Allele origin: germline.
Comment: In summary, the available evidence is currently insufficient to determine the role of this variant in disease. Therefore, it has been classified as a Variant of Uncertain Significance. Advanced modeling of protein sequence and biophysical properties (such as structural, functional, and spatial information, amino acid conservation, physicochemical variation, residue mobility, and thermodynamic stability) performed at Invitae indicates that this missense variant is not expected to disrupt NTRK2 protein function. This variant has not been reported in the literature in individuals affected with NTRK2-related conditions. This variant is not present in population databases (gnomAD no frequency). This sequence change replaces aspartic acid, which is acidic and polar, with valine, which is neutral and non-polar, at codon 370 of the NTRK2 protein (p.Asp370Val).

NM_006180.6(NTRK2):c.1109A>T (p.Asp370Val)

Gene: NTRK2 (neurotrophic receptor tyrosine kinase 2; plus strand). Cytogenetic location: 9q21.33.
Variant type: single nucleotide variant.
Coding change: c.1109A>T on transcript NM_006180.6 (MANE Select); coding-DNA position 1109, A replaced by T.
Protein change: p.Asp370Val; replaces aspartic acid 370 with valine.
Molecular consequence: missense variant.
Genome position (GRCh38, 1-based): chr9:84,727,909, A>T. VCF-style: chr9-84727909-A-T. GRCh37 (hg19) VCF-style: chr9-87342824-A-T.
Other names: c.1109A>T, p.Asp370Val (NM_001007097.3, NM_001018064.3, NM_001018065.2 and 17 more transcripts); c.1070A>T, p.Asp357Val (NM_001291937.2, NM_001369546.1); c.641A>T, p.Asp214Val (NM_001369535.1, NM_001369536.1, NM_001369550.1 and 2 more transcripts); short protein forms D370V, D214V, D357V.
Identifiers: ClinVar variation 2095981 (VCV002095981.4), dbSNP rs2492238810, ClinGen allele CA374009140.